The following is an entry in ClinVar:

NM_020937.4(FANCM):c.1253G>A (p.Cys418Tyr)

Gene: FANCM (FA complementation group M; plus strand). Cytogenetic location: 14q21.2.
Variant type: single nucleotide variant.
Coding change: c.1253G>A on transcript NM_020937.4 (MANE Select); coding-DNA position 1253, G replaced by A.
Protein change: p.Cys418Tyr; replaces cysteine 418 with tyrosine.
Molecular consequence: missense variant.
Genome position (GRCh38, 1-based): chr14:45,154,766, G>A. VCF-style: chr14-45154766-G-A. GRCh37 (hg19) VCF-style: chr14-45623969-G-A.
Other names: c.1175G>A, p.Cys392Tyr (NM_001308133.2); c.1253G>A, p.Cys418Tyr (NM_001308134.2); short protein forms C418Y, C392Y.
Identifiers: ClinVar variation 1450501 (VCV001450501.6), dbSNP rs527417380, ClinGen allele CA389591249.
Genomic context (GRCh38, chr14:45,154,766, plus strand): 5'-GGTCAAAAAATGAACTTGGCCGAAATGAAGACTTCATGAAACTCTATAATCATCTAGAGT[G>A]TATGTTTGCACGTACACGTAGTACTTCAGCAAATGGTATTTCTGCTATCCAACAAGGTCT-3'
Protein context (NP_065988.1, residues 408-428): DFMKLYNHLE[Cys418Tyr]MFARTRSTSA

ClinVar aggregate classification (germline): Uncertain significance (1 of 4 stars; one submission).

Conditions:
Fanconi anemia (FA). Also called: Fanconi's anemia. Identifiers: Orphanet 84, MedGen C0015625, MeSH D005199, MONDO:0019391.

Submission:

Labcorp Genetics (formerly Invitae), Labcorp
Classification: Uncertain significance for Fanconi anemia. Last evaluated: 2022-03-05. Review status: criteria provided, single submitter. Criteria: Invitae Variant Classification Sherloc (09022015). Collection method: clinical testing. Allele origin: germline.
Comment: This sequence change replaces cysteine, which is neutral and slightly polar, with tyrosine, which is neutral and polar, at codon 418 of the FANCM protein (p.Cys418Tyr). This variant is not present in population databases (gnomAD no frequency). This variant has not been reported in the literature in individuals affected with FANCM-related conditions. Algorithms developed to predict the effect of missense changes on protein structure and function (SIFT, PolyPhen-2, Align-GVGD) all suggest that this variant is likely to be tolerated. In summary, the available evidence is currently insufficient to determine the role of this variant in disease. Therefore, it has been classified as a Variant of Uncertain Significance.